The following is an entry in ClinVar:

ClinVar aggregate classification (germline): Conflicting classifications of pathogenicity. Review status: criteria provided, conflicting classifications (1 of 4 stars). 10 submissions from 10 submitters: Uncertain significance (8); Likely benign (1). 1 of the submissions does not count toward it. Last evaluated 2025-08-27.

Conditions:
Hereditary cancer-predisposing syndrome. Also called: Tumor predisposition; Neoplastic Syndromes, Hereditary; Hereditary Cancer Syndrome; Hereditary neoplastic syndrome. Identifiers: Orphanet 140162, MedGen C0027672, MeSH D009386, MONDO:0015356.
Desmoid disease, hereditary (DESMD). Also called: FIBROMATOSIS, FAMILIAL INFILTRATIVE. Identifiers: Orphanet 873, MedGen C1851124, OMIM 135290. Disease mechanism: loss of function.
Gastric adenocarcinoma and proximal polyposis of the stomach (GAPPS). Also called: Polyposis, gastric, Dos Santos and de Magalhaes 1980; Gastric Adenocarcinoma and Proximal Polyposis of the Stomach (GAPPS); POLYPOSIS, GASTRIC. Identifiers: Orphanet 314022, MedGen C4749917, MONDO:0017790, OMIM 619182.
Hepatocellular carcinoma (HCC). Also called: Primary carcinoma of liver; HEPATOMA; LIVER CELL CARCINOMA. Identifiers: Orphanet 88673, MedGen C2239176, MONDO:0007256, OMIM 114550, HP:0001402.
Gastric cancer. Also called: Stomach cancer; Malignant tumor of stomach. Identifiers: MedGen C0024623, MeSH D013274, MONDO:0001056, OMIM 613659, HP:0012126.
Colorectal cancer. Also called: Colorectal cancer, somatic; Malignant Colorectal Neoplasm. Identifiers: MedGen C0346629, MONDO:0005575, OMIM 114500.
Familial adenomatous polyposis 1 (FAP1). Also called: FAMILIAL ADENOMATOUS POLYPOSIS 1, ATTENUATED; POLYPOSIS, ADENOMATOUS INTESTINAL. Identifiers: MedGen C2713442, MONDO:0021056, OMIM 175100. Disease mechanism: loss of function.
Classic or attenuated familial adenomatous polyposis. Identifiers: MedGen CN372698, MONDO:0021057.

Allele frequency attached by ClinVar (database versions not stated): ExAC 0.00002; gnomAD exomes 0.00002; TOPMed 0.00002; gnomAD 0.00003.
gnomAD v4.1: 16 of 1,611,874 alleles (0.00099%); highest among the groups gnomAD compares: Non-Finnish European, 0.0014%; no homozygotes.

Submissions (10):

Color Diagnostics, LLC DBA Color Health
Classification: Uncertain significance for Hereditary cancer-predisposing syndrome. Last evaluated: 2025-08-27. Review status: criteria provided, single submitter. Criteria: ACMG Guidelines, 2015. Collection method: clinical testing. Allele origin: germline.
Comment: This missense variant replaces aspartic acid with glycine at codon 285 of the APC protein. Computational prediction is inconclusive regarding the impact of this variant on protein structure and function. APC is defined as a gene for which primarily truncating variants are known to cause disease (ClinGen HCCP VCEP). To our knowledge, functional studies have not been reported for this variant. This variant has not been reported in individuals affected with colorectal cancer (PMID: 28944238, 29212164). This variant has been identified in 8/282502 chromosomes in the general population by the Genome Aggregation Database (gnomAD). The available evidence is insufficient to determine the role of this variant in disease conclusively. Therefore, this variant is classified as a Variant of Uncertain Significance.

Labcorp Genetics (formerly Invitae), Labcorp
Classification: Uncertain significance for Familial adenomatous polyposis 1. Last evaluated: 2024-10-31. Review status: criteria provided, single submitter. Criteria: Invitae Variant Classification Sherloc (09022015). Collection method: clinical testing. Allele origin: germline.
Comment: This sequence change replaces aspartic acid, which is acidic and polar, with glycine, which is neutral and non-polar, at codon 285 of the APC protein (p.Asp285Gly). This variant is present in population databases (rs201093383, gnomAD 0.006%). This missense change has been observed in individual(s) with APC-related conditions (PMID: 25980754, 28944238, 29212164, 34326862). ClinVar contains an entry for this variant (Variation ID: 141276). Invitae Evidence Modeling of protein sequence and biophysical properties (such as structural, functional, and spatial information, amino acid conservation, physicochemical variation, residue mobility, and thermodynamic stability) indicates that this missense variant is not expected to disrupt APC protein function with a negative predictive value of 95%. RNA analysis performed to evaluate the impact of this missense change on mRNA splicing indicates it does not significantly alter splicing (internal data). In summary, the available evidence is currently insufficient to determine the role of this variant in disease. Therefore, it has been classified as a Variant of Uncertain Significance.

All of Us Research Program, National Institutes of Health
Classification: Uncertain significance for Classic or attenuated familial adenomatous polyposis. Last evaluated: 2023-12-01. Review status: criteria provided, single submitter. Criteria: ACMG Guidelines, 2015. Collection method: clinical testing. Allele origin: germline. Inheritance: Autosomal dominant inheritance. Observed: 5 variant alleles, 5 heterozygotes.
Comment: This missense variant replaces aspartic acid with glycine at codon 285 of the APC protein. Computational prediction is inconclusive regarding the impact of this variant on protein structure and function (internally defined REVEL score threshold 0.5 < inconclusive < 0.7, PMID: 27666373). To our knowledge, functional studies have not been reported for this variant. This variant has been reported in individuals affected with colorectal cancer (PMID: 28944238, 29212164). This variant has been identified in 8/282502 chromosomes in the general population by the Genome Aggregation Database (gnomAD). The available evidence is insufficient to determine the role of this variant in disease conclusively. Therefore, this variant is classified as a Variant of Uncertain Significance.

This study involves interpretation of variants in research participants for the purpose of population health screening. Participant phenotype was not available at the time of variant classification. Additional details can be found in publication PMID: 35346344, PMCID: PMC8962531

Department of Pathology and Laboratory Medicine, Sinai Health System
Classification: Uncertain significance for Familial adenomatous polyposis 1; Desmoid disease, hereditary. Last evaluated: 2023-04-25. Review status: criteria provided, single submitter. Criteria: ACMG Guidelines, 2015. Collection method: clinical testing. Allele origin: germline. Affected: yes.

Myriad Genetics, Inc.
Classification: Uncertain significance for Familial adenomatous polyposis 1. Last evaluated: 2023-02-21. Review status: criteria provided, single submitter. Criteria: Myriad Autosomal Dominant, Autosomal Recessive and X-Linked Classification Criteria (2023). Collection method: clinical testing. Allele origin: unknown.
Comment: This variant is classified as a variant of uncertain significance as there is insufficient evidence to determine its impact on protein function and/or cancer risk.

GeneDx
Classification: Uncertain significance. Last evaluated: 2022-07-13. Review status: criteria provided, single submitter. Criteria: GeneDx Variant Classification Process June 2021. Collection method: clinical testing. Allele origin: germline. Affected: yes.
Comment: In silico analysis supports that this missense variant has a deleterious effect on protein structure/function; In-silico analysis is inconclusive as to whether the variant alters gene splicing. In the absence of RNA/functional studies, the actual effect of this sequence change is unknown.; Observed in individuals with a Lynch syndrome-associated cancer and/or polyps (Yurgelun 2015); This variant is associated with the following publications: (PMID: 25980754)

Ambry Genetics
Classification: Likely benign for Hereditary cancer-predisposing syndrome. Last evaluated: 2022-01-04. Review status: criteria provided, single submitter. Criteria: Ambry Variant Classification Scheme 2023. Collection method: clinical testing. Allele origin: germline.

Fulgent Genetics
Classification: Uncertain significance for Colorectal cancer; Hepatocellular carcinoma; Desmoid disease, hereditary; Familial adenomatous polyposis 1; Gastric cancer; Gastric adenocarcinoma and proximal polyposis of the stomach. Last evaluated: 2021-12-13. Review status: criteria provided, single submitter. Criteria: ACMG Guidelines, 2015. Collection method: clinical testing. Allele origin: unknown.

Quest Diagnostics Nichols Institute San Juan Capistrano
Classification: Uncertain significance. Last evaluated: 2018-11-05. Review status: criteria provided, single submitter. Criteria: Quest Diagnostics criteria. Collection method: clinical testing. Allele origin: germline.

Counsyl
Classification: Uncertain significance for Familial adenomatous polyposis 1. Last evaluated: 2016-10-21. Review status: no assertion criteria provided. Collection method: clinical testing. Allele origin: unknown. Not counted in ClinVar's aggregate classification.

Literature cited by the submitters: PubMed 28944238 (cited by 4 submitters); PubMed 29212164 (cited by 4 submitters); PubMed 25980754 (cited by 5 submitters); PubMed 34326862 (cited by Labcorp Genetics (formerly Invitae), Labcorp).

NM_000038.6(APC):c.854A>G (p.Asp285Gly)

Gene: APC (APC regulator of Wnt signaling pathway; plus strand). Cytogenetic location: 5q22.2.
Variant type: single nucleotide variant.
Coding change: c.854A>G on transcript NM_000038.6 (MANE Select); coding-DNA position 854, A replaced by G.
Protein change: p.Asp285Gly; replaces aspartic acid 285 with glycine.
Molecular consequence: missense variant.
Genome position (GRCh38, 1-based): chr5:112,815,514, A>G. VCF-style: chr5-112815514-A-G. GRCh37 (hg19) VCF-style: chr5-112151211-A-G.
Other names: p.D285G:GAC>GGC; c.854A>G, p.Asp285Gly (NM_001127510.3, NM_001354895.2, NM_001354896.2 and 1 more transcripts); c.800A>G, p.Asp267Gly (NM_001127511.3); c.884A>G, p.Asp295Gly (NM_001354897.2, NM_001354902.2); c.779A>G, p.Asp260Gly (NM_001354898.2, NM_001354904.2); c.770A>G, p.Asp257Gly (NM_001354899.2); c.677A>G, p.Asp226Gly (NM_001354900.2, NM_001354901.2, NM_001354905.2); c.5A>G, p.Asp2Gly (NM_001354906.2); short protein forms D267G, D285G, D295G, D257G, D2G, D226G, D260G.
Identifiers: ClinVar variation 141276 (VCV000141276.30), dbSNP rs201093383, ClinGen allele CA015607.